The following is an entry in ClinVar:

NM_001109878.2(TBX22):c.72C>T (p.Leu24=)

Gene: TBX22 (T-box transcription factor 22). Cytogenetic location: Xq21.1.
Variant type: single nucleotide variant.
Coding change: c.72C>T on transcript NM_001109878.2 (MANE Select); coding-DNA position 72, C replaced by T.
Protein change: p.Leu24=; no amino-acid change (leucine 24 retained).
Molecular consequence: synonymous variant. On other transcripts: 5 prime UTR variant (1).
Genome position (GRCh38, 1-based): chrX:80,022,341, C>T. VCF-style: chrX-80022341-C-T. GRCh37 (hg19) VCF-style: chrX-79277840-C-T.
Other names: c.-285C>T (NM_001109879.2); c.72C>T, p.Leu24= (NM_016954.2).
Identifiers: ClinVar variation 368664 (VCV000368664.10), dbSNP rs138387312, ClinGen allele CA10461149.

ClinVar aggregate classification (germline): Benign. Review status: criteria provided, multiple submitters, no conflicts (2 of 4 stars). 3 submissions from 3 submitters: Benign (3). Last evaluated 2019-12-31.

Conditions:
Cleft palate with or without ankyloglossia, X-linked. Identifiers: Orphanet 324601, MedGen C1844830, MONDO:0010560, OMIM 303400.

Allele frequency attached by ClinVar (database versions not stated): gnomAD exomes 0.00100 and 0.00297; ExAC 0.00362; 1000 Genomes Project 30x 0.00728; 1000 Genomes Project 0.00795; gnomAD 0.00800 and 0.00852; TOPMed 0.00936; ESP Exome Variant Server 0.01041.
gnomAD v4.1: 2,126 of 1,209,470 alleles (0.18%); highest among the groups gnomAD compares: African/African-American, 2.7%; 22 homozygotes.

Submissions (3):

Labcorp Genetics (formerly Invitae), Labcorp
Classification: Benign. Last evaluated: 2019-12-31. Review status: criteria provided, single submitter. Criteria: Invitae Variant Classification Sherloc (09022015). Collection method: clinical testing. Allele origin: germline.

Illumina Laboratory Services, Illumina
Classification: Benign for Cleft palate with or without ankyloglossia, X-linked. Last evaluated: 2018-01-12. Review status: criteria provided, single submitter. Criteria: ICSL Variant Classification Criteria 13 December 2019. Collection method: clinical testing. Allele origin: germline.
Comment: This variant was observed in the ICSL laboratory as part of a predisposition screen in an ostensibly healthy population. It had not been previously curated by ICSL or reported in the Human Gene Mutation Database (HGMD: prior to June 1st, 2018), and was therefore a candidate for classification through an automated scoring system. Utilizing variant allele frequency, disease prevalence and penetrance estimates, and inheritance mode, an automated score was calculated to assess if this variant is too frequent to cause the disease. Based on the score and internal cut-off values, a variant classified as benign is not then subjected to further curation. The score for this variant resulted in a classification of benign for this disease.

Breakthrough Genomics
Classification: Benign. Review status: criteria provided, single submitter. Criteria: ACMG Guidelines, 2015. Collection method: not provided. Allele origin: germline. Inheritance: X-linked inheritance. Affected: yes.